The following is an entry in ClinVar:

NM_022437.3(ABCG8):c.1225A>G (p.Asn409Asp)

Gene: ABCG8 (ATP binding cassette subfamily G member 8; plus strand). Cytogenetic location: 2p21.
Variant type: single nucleotide variant.
Coding change: c.1225A>G on transcript NM_022437.3 (MANE Select); coding-DNA position 1225, A replaced by G.
Protein change: p.Asn409Asp; replaces asparagine 409 with aspartic acid.
Molecular consequence: missense variant.
Genome position (GRCh38, 1-based): chr2:43,873,800, A>G. VCF-style: chr2-43873800-A-G. GRCh37 (hg19) VCF-style: chr2-44100939-A-G.
Other names: p.Asn409Asp; c.1222A>G, p.Asn408Asp (NM_001357321.2); short protein forms N409D, N408D.
Identifiers: ClinVar variation 288354 (VCV000288354.20), dbSNP rs140373311, ClinGen allele CA1637370.

ClinVar aggregate classification (germline): Uncertain significance. Review status: criteria provided, multiple submitters, no conflicts (2 of 4 stars). 7 submissions from 7 submitters: Uncertain significance (7). Last evaluated 2026-07-14.

Conditions:
ABCG8-related disorder. Also called: ABCG8-related condition.
Sitosterolemia 1. Identifiers: MedGen C2749759, MONDO:0020747, OMIM 210250.
Cardiovascular phenotype. Identifiers: MedGen CN230736.

Allele frequency attached by ClinVar (database versions not stated): ESP Exome Variant Server 0.00023; ExAC 0.00033; TOPMed 0.00036; gnomAD 0.00042 and 0.00044; gnomAD exomes 0.00043 and 0.00082.

Submissions (7):

PreventionGenetics, part of Exact Sciences
Classification: Uncertain significance for ABCG8-related condition. Last evaluated: 2026-07-14. Review status: criteria provided, single submitter. Criteria: ACMG Guidelines, 2015. Collection method: clinical testing. Allele origin: germline.
Comment: The ABCG8 c.1225A>G variant is predicted to result in the amino acid substitution p.Asn409Asp. This variant has been reported in a patient with sitosterolemia, who also carried an ABCG8 canonical splice variant on the opposite chromosome (Brinton et al. 2018. PubMed ID: 29169939). This variant was found to have a higher frequency in familial hypercholesterolemia patients compared with the general population (Reeskamp et al. 2020. PubMed ID: 32088153). This variant is reported in 0.068% of alleles in individuals of European (Finnish) descent in gnomAD. At this time, the clinical significance of this variant is uncertain due to the absence of conclusive functional and genetic evidence.

Ambry Genetics
Classification: Uncertain significance for Cardiovascular phenotype. Last evaluated: 2025-09-18. Review status: criteria provided, single submitter. Criteria: Ambry Variant Classification Scheme 2023. Collection method: clinical testing. Allele origin: germline.
Comment: The p.N409D variant (also known as c.1225A>G), located in coding exon 9 of the ABCG8 gene, results from an A to G substitution at nucleotide position 1225. The asparagine at codon 409 is replaced by aspartic acid, an amino acid with highly similar properties. This alteration has been reported as compound heterozygous with an additional alteration in ABCG8 in an individual with concerns for sitosterolemia (Brinton EA et al. J Clin Lipidol, 2018 Oct;12:152-161). Additionally, this alteration has been detected at a high frequency in a familial hypercholesterolemia (FH) cohort (Reeskamp LF et al. J Clin Lipidol, 2020 Jan;14:207-217.e7). This amino acid position is highly conserved in available vertebrate species. In addition, the in silico prediction for this alteration is inconclusive. Since supporting evidence is limited at this time, the clinical significance of this alteration remains unclear.

Mayo Clinic Laboratories, Mayo Clinic
Classification: Uncertain significance. Last evaluated: 2025-08-18. Review status: criteria provided, single submitter. Criteria: ACMG Guidelines, 2015. Collection method: clinical testing. Allele origin: germline. Observed: 3 variant alleles.
Comment: PM3_supporting

Blueprint Genetics
Classification: Uncertain significance. Last evaluated: 2024-11-11. Review status: criteria provided, single submitter. Criteria: ACMG Guidelines, 2015. Collection method: clinical testing. Allele origin: germline.

Revvity Omics, Revvity
Classification: Uncertain significance for Sitosterolemia 1. Last evaluated: 2023-08-01. Review status: criteria provided, single submitter. Criteria: ACMG Guidelines, 2015. Collection method: clinical testing. Allele origin: germline.

Labcorp Genetics (formerly Invitae), Labcorp
Classification: Uncertain significance. Last evaluated: 2022-10-10. Review status: criteria provided, single submitter. Criteria: Invitae Variant Classification Sherloc (09022015). Collection method: clinical testing. Allele origin: germline.
Comment: This sequence change replaces asparagine, which is neutral and polar, with aspartic acid, which is acidic and polar, at codon 409 of the ABCG8 protein (p.Asn409Asp). This variant is present in population databases (rs140373311, gnomAD 0.07%), and has an allele count higher than expected for a pathogenic variant. This missense change has been observed in individual(s) with clinical features of ABCG8-related conditions (PMID: 29169939, 32041611, 32088153). ClinVar contains an entry for this variant (Variation ID: 288354). Advanced modeling of protein sequence and biophysical properties (such as structural, functional, and spatial information, amino acid conservation, physicochemical variation, residue mobility, and thermodynamic stability) performed at Invitae indicates that this missense variant is not expected to disrupt ABCG8 protein function. In summary, the available evidence is currently insufficient to determine the role of this variant in disease. Therefore, it has been classified as a Variant of Uncertain Significance.

Eurofins Ntd Llc (ga)
Classification: Uncertain significance. Last evaluated: 2018-01-02. Review status: criteria provided, single submitter. Criteria: EGL Classification Definitions 2015. Collection method: clinical testing. Allele origin: germline. Observed: 5 variant alleles, 5 heterozygotes.

Literature cited by the submitters: PubMed 29169939 (cited by 3 submitters); PubMed 32088153 (cited by 3 submitters); PubMed 32041611 (cited by Mayo Clinic Laboratories, Mayo Clinic and Labcorp Genetics (formerly Invitae), Labcorp); PubMed 37647632 (cited by Mayo Clinic Laboratories, Mayo Clinic).